The following is an entry in ClinVar:

ClinVar aggregate classification (germline): Uncertain significance. Review status: criteria provided, multiple submitters, no conflicts (2 of 4 stars). 2 submissions from 2 submitters: Uncertain significance (2). Last evaluated 2024-03-04.

Conditions:
Leber congenital amaurosis 3 (LCA3). Also called: SPATA7-Related Retinitis Pigmentosa. Identifiers: MedGen C1858677, MONDO:0011415, OMIM 604232.

gnomAD v4.1: 1 of 1,614,124 alleles (0.000062%); highest among the groups gnomAD compares: Admixed American, 0.0017%; no homozygotes.

Submissions (2):

Blueprint Genetics
Classification: Uncertain significance. Last evaluated: 2024-03-04. Review status: criteria provided, single submitter. Criteria: ACMG Guidelines, 2015. Collection method: clinical testing. Allele origin: germline.

Labcorp Genetics (formerly Invitae), Labcorp
Classification: Uncertain significance for Leber congenital amaurosis 3. Last evaluated: 2022-06-07. Review status: criteria provided, single submitter. Criteria: Invitae Variant Classification Sherloc (09022015). Collection method: clinical testing. Allele origin: germline.
Comment: This sequence change replaces isoleucine, which is neutral and non-polar, with asparagine, which is neutral and polar, at codon 541 of the SPATA7 protein (p.Ile541Asn). This variant is present in population databases (no rsID available, gnomAD 0.003%). This variant has not been reported in the literature in individuals affected with SPATA7-related conditions. Algorithms developed to predict the effect of missense changes on protein structure and function are either unavailable or do not agree on the potential impact of this missense change (SIFT: "Deleterious"; PolyPhen-2: "Benign"; Align-GVGD: "Class C0"). In summary, the available evidence is currently insufficient to determine the role of this variant in disease. Therefore, it has been classified as a Variant of Uncertain Significance.

NM_018418.5(SPATA7):c.1622T>A (p.Ile541Asn)

Gene: SPATA7 (spermatogenesis associated 7; plus strand). Cytogenetic location: 14q31.3.
Variant type: single nucleotide variant.
Coding change: c.1622T>A on transcript NM_018418.5 (MANE Select); coding-DNA position 1622, T replaced by A.
Protein change: p.Ile541Asn; replaces isoleucine 541 with asparagine.
Molecular consequence: missense variant.
Genome position (GRCh38, 1-based): chr14:88,438,244, T>A. VCF-style: chr14-88438244-T-A. GRCh37 (hg19) VCF-style: chr14-88904588-T-A.
Other names: c.1526T>A, p.Ile509Asn (NM_001040428.4); short protein forms I509N, I541N.
Identifiers: ClinVar variation 1896845 (VCV001896845.3), dbSNP rs139510848, ClinGen allele CA390573307.
Genomic context (GRCh38, chr14:88,438,244, plus strand): 5'-ATGAAAATCATCCAAGTATTTCAGACAGTTTAACAGATCGGGAAACTTCTGTGAATGTCA[T>A]TGAAGGTGATAGTGACCCTGAAAAGGTTGAGATTTCAAATGGATTATGTGGTCTTAACAC-3'
Protein context (NP_060888.2, residues 531-551): LTDRETSVNV[Ile541Asn]EGDSDPEKVE